The following is an entry in ClinVar:

ClinVar aggregate classification (germline): Uncertain significance (1 of 4 stars; one submission).

Conditions:
Cardiovascular phenotype. Identifiers: MedGen CN230736.

Allele frequency attached by ClinVar (database versions not stated): gnomAD 0.00001.
gnomAD v4.1: 4 of 1,614,026 alleles (0.00025%); highest among the groups gnomAD compares: South Asian, 0.0011%; no homozygotes.

Submission:

Ambry Genetics
Classification: Uncertain significance for Cardiovascular phenotype. Last evaluated: 2021-08-05. Review status: criteria provided, single submitter. Criteria: Ambry Variant Classification Scheme 2023. Collection method: clinical testing. Allele origin: germline.
Comment: The p.M41V variant (also known as c.121A>G), located in coding exon 2 of the SCN3B gene, results from an A to G substitution at nucleotide position 121. The methionine at codon 41 is replaced by valine, an amino acid with highly similar properties. This amino acid position is conserved. In addition, this alteration is predicted to be tolerated by in silico analysis. Since supporting evidence is limited at this time, the clinical significance of this alteration remains unclear.

NM_001040151.2(SCN3B):c.121A>G (p.Met41Val)

Gene: SCN3B (sodium voltage-gated channel beta subunit 3; minus strand). Cytogenetic location: 11q24.1.
Variant type: single nucleotide variant.
Coding change: c.121A>G on transcript NM_001040151.2 (MANE Select); coding-DNA position 121, A replaced by G.
Protein change: p.Met41Val; replaces methionine 41 with valine.
Molecular consequence: missense variant.
Genome position (GRCh38, 1-based): chr11:123,645,685, T>C on the plus strand (A>G on the coding strand, the complement: SCN3B is on the minus strand). VCF-style: chr11-123645685-T-C. GRCh37 (hg19) VCF-style: chr11-123516393-T-C.
Other names: c.121A>G, p.Met41Val (NM_018400.4); short protein forms M41V.
Identifiers: ClinVar variation 1752575 (VCV001752575.2), dbSNP rs1164385443, ClinGen allele CA383073149.
Genomic context (GRCh38, chr11:123,645,685, plus strand): 5'-CCACCACCGTGGTGGCCTCCACCTCCTCTCTCTTCATGCAGGAGATGCAGCGCAGCTTCA[T>C]GGGGTTGCCCTGCACGGCCTCCGTCTCCGAGGGCACTTCCACACACACAGGGAAGCAGAC-3'
Protein context (NP_001035241.1, residues 31-51): SETEAVQGNP[Met41Val]KLRCISCMKR